The following is an entry in ClinVar:

NM_138395.4(MARS2):c.452G>A (p.Trp151Ter)

Gene: MARS2 (methionyl-tRNA synthetase 2, mitochondrial; plus strand). Cytogenetic location: 2q33.1.
Variant type: single nucleotide variant.
Coding change: c.452G>A on transcript NM_138395.4 (MANE Select); coding-DNA position 452, G replaced by A.
Protein change: p.Trp151Ter; replaces tryptophan 151 with a stop codon.
Molecular consequence: nonsense.
Genome position (GRCh38, 1-based): chr2:197,705,857, G>A. VCF-style: chr2-197705857-G-A. GRCh37 (hg19) VCF-style: chr2-198570581-G-A.
Other names: short protein forms W151*.
Identifiers: ClinVar variation 4687145 (VCV004687145.1).

ClinVar aggregate classification (germline): Uncertain significance (1 of 4 stars; one submission).

Submission:

Women's Health and Genetics/Laboratory Corporation of America, LabCorp
Classification: Uncertain significance. Last evaluated: 2025-10-21. Review status: criteria provided, single submitter. Criteria: LabCorp Variant Classification Summary - May 2015. Collection method: clinical testing. Allele origin: germline.
Comment: Variant summary: MARS2 c.452G>A (p.Trp151X) results in a premature termination codon, predicted to cause a truncation of the encoded 593 amino acids long protein. Current evidence is not sufficient to establish loss of function as a mechanism for disease. The variant allele was found at a frequency of 0.00016 in 250232 control chromosomes, predominantly at a frequency of 0.002 within the East Asian subpopulation in the gnomAD database. This frequency is not significantly higher than estimated for disease-causing variants in MARS2, allowing no conclusion about variant significance. To our knowledge, no occurrence of c.452G>A in individuals affected with MARS2-related conditions and no experimental evidence demonstrating its impact on protein function have been reported. Although truncating variants downstream have been reported upstream of the next in-frame Met (Met329) in affected individuals, the reported phenotypes were somewhat different (PMID: 25754315, 22448145). No submitters have cited clinical-significance assessments for this variant to ClinVar. Based on the evidence outlined above, the variant was classified as VUS-possibly pathogenic.